The following is an entry in ClinVar:

ClinVar aggregate classification (germline): Uncertain significance (1 of 4 stars; one submission).

Conditions:
Adams-Oliver syndrome 5 (AOS5). Identifiers: Orphanet 974, MedGen C4014970, MONDO:0014459, OMIM 616028.

Submission:

Labcorp Genetics (formerly Invitae), Labcorp
Classification: Uncertain significance for Adams-Oliver syndrome 5. Last evaluated: 2020-03-23. Review status: criteria provided, single submitter. Criteria: Invitae Variant Classification Sherloc (09022015). Collection method: clinical testing. Allele origin: germline.
Comment: In summary, the available evidence is currently insufficient to determine the role of this variant in disease. Therefore, it has been classified as a Variant of Uncertain Significance. Algorithms developed to predict the effect of missense changes on protein structure and function (SIFT, PolyPhen-2, Align-GVGD) all suggest that this variant is likely to be tolerated, but these predictions have not been confirmed by published functional studies and their clinical significance is uncertain. This variant has not been reported in the literature in individuals with NOTCH1-related conditions. This variant is not present in population databases (ExAC no frequency). This sequence change replaces alanine with valine at codon 2374 of the NOTCH1 protein (p.Ala2374Val). The alanine residue is moderately conserved and there is a small physicochemical difference between alanine and valine.

NM_017617.5(NOTCH1):c.7121C>T (p.Ala2374Val)

Gene: NOTCH1 (notch receptor 1; minus strand). Cytogenetic location: 9q34.3.
Variant type: single nucleotide variant.
Coding change: c.7121C>T on transcript NM_017617.5 (MANE Select); coding-DNA position 7121, C replaced by T.
Protein change: p.Ala2374Val; replaces alanine 2374 with valine.
Molecular consequence: missense variant.
Genome position (GRCh38, 1-based): chr9:136,496,618, G>A on the plus strand (C>T on the coding strand, the complement: NOTCH1 is on the minus strand). VCF-style: chr9-136496618-G-A. GRCh37 (hg19) VCF-style: chr9-139391070-G-A.
Other names: short protein forms A2374V.
Identifiers: ClinVar variation 1063320 (VCV001063320.9), dbSNP rs2133316248, ClinGen allele CA375628038.